The following is an entry in ClinVar:

NM_015215.4(CAMTA1):c.2395dup (p.Asp799fs)

Gene: CAMTA1 (calmodulin binding transcription activator 1; plus strand). Cytogenetic location: 1p36.23.
Variant type: Duplication.
Coding change: c.2395dup on transcript NM_015215.4 (MANE Select); coding-DNA position 2395, one base duplicated (G; older notation c.2395dupG).
Protein change: p.Asp799fs; shifts the reading frame from aspartic acid 799.
Molecular consequence: frameshift variant.
Genome position (GRCh38, 1-based): chr1:7,664,942, G duplicated; the last of 5 consecutive G bases (chr1:7,664,938-7,664,942); duplicating any one gives the same sequence. VCF-style (leftmost placement, unchanged base first): chr1-7664937-C-CG. GRCh37 (hg19) VCF-style: chr1-7724997-C-CG.
Other names: c.2305dup, p.Asp769fs (NM_001349608.2, NM_001349612.2); c.2395dup, p.Asp799fs (NM_001349609.2, NM_001349610.2, NM_001410737.1); c.2323dup, p.Asp775fs (NM_001410738.1); short protein forms D769fs, D775fs, D799fs.
Identifiers: ClinVar variation 5018576 (VCV005018576.2).
Genomic context (GRCh38, chr1:7,664,937, plus strand): 5'-TCAACGACTTCATCTCCGTGGAGGGGGGCAGCAGCACCATCTATGGGCACCAGCTGGTGT[C>CG]GGGGGACAGCACGGCGCTCTCACAGTCAGAGGACGGGGCGCGGGCCCCCTTCACCCAGGC-3'

ClinVar aggregate classification (germline): Likely pathogenic (1 of 4 stars; one submission).

Conditions:
Cerebellar dysfunction with variable cognitive and behavioral abnormalities (CECBA). Also called: Nonprogressive cerebellar atxia with intellectual disability. Identifiers: Orphanet 314647, MedGen C3553661, MONDO:0013886, OMIM 614756.

Submission:

Juno Genomics, Hangzhou Juno Genomics, Inc
Classification: Likely pathogenic for Cerebellar dysfunction with variable cognitive and behavioral abnormalities. Review status: criteria provided, single submitter. Criteria: ACMG Guidelines, 2015. Collection method: clinical testing. Allele origin: germline.
Comment: Absent from controls (or at extremely low frequency if recessive) in Genome Aggregation Database.;Null variant in a gene where loss of function (LOF) is a known mechanism of disease.